The following is an entry in ClinVar:

NM_000059.4(BRCA2):c.8697A>G (p.Gln2899=)

Gene: BRCA2 (BRCA2 DNA repair associated; plus strand). Cytogenetic location: 13q13.1.
Variant type: single nucleotide variant.
Coding change: c.8697A>G on transcript NM_000059.4 (MANE Select); coding-DNA position 8697, A replaced by G.
Protein change: p.Gln2899=; no amino-acid change (glutamine 2899 retained).
Molecular consequence: synonymous variant.
Genome position (GRCh38, 1-based): chr13:32,376,734, A>G. VCF-style: chr13-32376734-A-G. GRCh37 (hg19) VCF-style: chr13-32950871-A-G.
Identifiers: ClinVar variation 187403 (VCV000187403.25), dbSNP rs786203707, ClinGen allele CA025784.
Genomic context (GRCh38, chr13:32,376,734, plus strand): 5'-CACAACAAAACCATATTTACCATCACGTGCACTAACAAGACAGCAAGTTCGTGCTTTGCA[A>G]GATGGTGCAGAGCTTTATGAAGCAGTGAAGAATGCAGCAGACCCAGCTTACCTTGAGGTG-3'
Protein context (NP_000050.3, residues 2889-2909): ALTRQQVRAL[Gln2899=]DGAELYEAVK

ClinVar aggregate classification (germline): Likely benign. Review status: reviewed by expert panel (3 of 4 stars). 8 submissions from 8 submitters: Likely benign (1). 7 of the submissions do not count toward it. Last evaluated 2017-06-29.

Conditions:
Hereditary cancer-predisposing syndrome. Also called: Hereditary Cancer Syndrome; Neoplastic Syndromes, Hereditary; Tumor predisposition; Hereditary neoplastic syndrome. Identifiers: Orphanet 140162, MedGen C0027672, MeSH D009386, MONDO:0015356.
Hereditary breast ovarian cancer syndrome. Also called: Hereditary breast and ovarian cancer; Hereditary breast and ovarian cancer syndrome; Breast and ovarian cancer; Hereditary breast and ovarian cancer syndrome (HBOC); Hereditary breast and/or ovarian cancer syndrome; BRCA1- and BRCA2-Associated Hereditary Breast and Ovarian Cancer. Identifiers: Orphanet 145, MedGen C0677776, MeSH D061325, MONDO:0003582. Disease mechanism: loss of function.
Breast-ovarian cancer, familial, susceptibility to, 2 (BROVCA2). Also called: BRCA2 Hereditary Breast and Ovarian Cancer. Identifiers: Orphanet 145, MedGen C2675520, MONDO:0012933, OMIM 612555. Disease mechanism: loss of function.
Malignant tumor of breast. Also called: Cancer breast; Malignant breast neoplasm. Identifiers: MedGen C0006142, MONDO:0007254. Disease mechanism: loss of function.

Allele frequency attached by ClinVar (database versions not stated): gnomAD exomes 0.00003.
gnomAD v4.1: 38 of 1,614,198 alleles (0.0024%); highest among the groups gnomAD compares: Non-Finnish European, 0.0031%; no homozygotes.

Submissions (8):

Evidence-based Network for the Interpretation of Germline Mutant Alleles (ENIGMA)
Classification: Likely benign for Breast-ovarian cancer, familial, susceptibility to, 2. Last evaluated: 2017-06-29. Review status: reviewed by expert panel. Criteria: ENIGMA BRCA1/2 Classification Criteria (2017-06-29). Collection method: curation. Allele origin: germline.
Comment: Synonymous substitution variant, with low bioinformatic likelihood to result in a splicing aberration (Splicing prior probability 0.02).

Labcorp Genetics (formerly Invitae), Labcorp
Classification: Likely benign for Hereditary breast ovarian cancer syndrome. Last evaluated: 2026-01-13. Review status: criteria provided, single submitter. Criteria: Invitae Variant Classification Sherloc (09022015). Collection method: clinical testing. Allele origin: germline. Not counted in ClinVar's aggregate classification.

All of Us Research Program, National Institutes of Health
Classification: Likely benign for Breast-ovarian cancer, familial, susceptibility to, 2. Last evaluated: 2022-11-28. Review status: criteria provided, single submitter. Criteria: ACMG Guidelines, 2015. Collection method: clinical testing. Allele origin: germline. Inheritance: Autosomal dominant inheritance. Observed: 1 variant allele, 1 heterozygote. Not counted in ClinVar's aggregate classification.
Comment: This study involves interpretation of variants in research participants for the purpose of population health screening. Participant phenotype was not available at the time of variant classification. Additional details can be found in publication PMID: 35346344, PMCID: PMC8962531

Women's Health and Genetics/Laboratory Corporation of America, LabCorp
Classification: Likely benign. Last evaluated: 2019-08-21. Review status: criteria provided, single submitter. Criteria: LabCorp Variant Classification Summary - May 2015. Collection method: clinical testing. Allele origin: germline. Not counted in ClinVar's aggregate classification.

Color Diagnostics, LLC DBA Color Health
Classification: Likely benign for Hereditary cancer-predisposing syndrome. Last evaluated: 2017-04-17. Review status: criteria provided, single submitter. Criteria: ACMG Guidelines, 2015. Collection method: clinical testing. Allele origin: germline. Not counted in ClinVar's aggregate classification.

GeneDx
Classification: Likely benign. Last evaluated: 2016-01-08. Review status: criteria provided, single submitter. Criteria: GeneDx Variant Classification (06012015). Collection method: clinical testing. Allele origin: germline. Affected: yes. Not counted in ClinVar's aggregate classification.
Comment: This variant is considered likely benign or benign based on one or more of the following criteria: it is a conservative change, it occurs at a poorly conserved position in the protein, it is predicted to be benign by multiple in silico algorithms, and/or has population frequency not consistent with disease.

Ambry Genetics
Classification: Likely benign for Hereditary cancer-predisposing syndrome. Last evaluated: 2015-05-01. Review status: criteria provided, single submitter. Criteria: Ambry Variant Classification Scheme 2023. Collection method: clinical testing. Allele origin: germline. Not counted in ClinVar's aggregate classification.

Department of Pathology and Laboratory Medicine, Sinai Health System
Classification: Uncertain significance for Malignant tumor of breast. Review status: no assertion criteria provided. Collection method: clinical testing. Allele origin: unknown. Affected: yes. Study: The Canadian Open Genetics Repository (COGR). Not counted in ClinVar's aggregate classification.
Comment: The BRCA2 p.Gln2899= variant was not identified in the literature nor was it identified in the LOVD 3.0, or UMD-LSDB databases. The variant was identified in dbSNP (ID: rs786203707) as " With Uncertain significance allele", and in ClinVar (4x as likely benign by ENIGMA, GeneDx, Ambry and Colour and 2x as Uncertain Significance by Invitae and LabCorp.). The variant was not identified in the following control databases: the Exome Aggregation Consortium (August 8th 2016), or the Genome Aggregation Database (Feb 27, 2017). The p.Gln2899= variant is not expected to have clinical significance because it does not result in a change of amino acid and is not located in a known consensus splice site. The variant occurs outside of the splicing consensus sequence and 3 of 4 in silico or computational prediction software programs (SpliceSiteFinder, MaxEntScan, NNSPLICE, GeneSplicer) predict a greater than 10% difference in the creation of a new splice site. However, this information is not predictive enough to assume pathogenicity. In summary, based on the above information the clinical significance of this variant cannot be determined with certainty at this time. This variant is classified as a variant of uncertain significance.